The following is an entry in ClinVar:

ClinVar aggregate classification (germline): Uncertain significance. Review status: criteria provided, multiple submitters, no conflicts (2 of 4 stars). 2 submissions from 2 submitters: Uncertain significance (2). Last evaluated 2025-11-02.

Conditions:
PCNT-related disorder. Also called: PCNT-related condition.

Allele frequency attached by ClinVar (database versions not stated): gnomAD exomes below 0.00001; ExAC 0.00001; gnomAD 0.00001; TOPMed 0.00001.
gnomAD v4.1: 9 of 1,614,072 alleles (0.00056%); highest among the groups gnomAD compares: African/African-American, 0.0013%; no homozygotes.

Submissions (2):

PreventionGenetics, part of Exact Sciences
Classification: Uncertain significance for PCNT-related condition. Last evaluated: 2025-11-02. Review status: criteria provided, single submitter. Criteria: ACMG Guidelines, 2015. Collection method: clinical testing. Allele origin: germline.
Comment: The PCNT c.2947C>T variant is predicted to result in the amino acid substitution p.Arg983Cys. To our knowledge, this variant has not been reported in the literature. This variant is reported in 0.00088% of alleles in individuals of European (Non-Finnish) descent in gnomAD. At this time, the clinical significance of this variant is uncertain due to the absence of conclusive functional and genetic evidence.

Eurofins Ntd Llc (ga)
Classification: Uncertain significance. Last evaluated: 2017-08-17. Review status: criteria provided, single submitter. Criteria: EGL Classification Definitions 2015. Collection method: clinical testing. Allele origin: germline. Observed: 1 variant allele, 1 heterozygote.

NM_006031.6(PCNT):c.2947C>T (p.Arg983Cys)

Gene: PCNT (pericentrin; plus strand). Cytogenetic location: 21q22.3.
Variant type: single nucleotide variant.
Coding change: c.2947C>T on transcript NM_006031.6 (MANE Select); coding-DNA position 2947, C replaced by T.
Protein change: p.Arg983Cys; replaces arginine 983 with cysteine.
Molecular consequence: missense variant.
Genome position (GRCh38, 1-based): chr21:46,366,921, C>T. VCF-style: chr21-46366921-C-T. GRCh37 (hg19) VCF-style: chr21-47786836-C-T.
Other names: c.2593C>T, p.Arg865Cys (NM_001315529.2); c.2947C>T (NM_006031.5); short protein forms R983C, R865C.
Identifiers: ClinVar variation 593539 (VCV000593539.6), dbSNP rs776993806, ClinGen allele CA10079139.